The following is an entry in ClinVar:

NM_000384.3(APOB):c.5371T>C (p.Tyr1791His)

Gene: APOB (apolipoprotein B; minus strand). Cytogenetic location: 2p24.1.
Variant type: single nucleotide variant.
Coding change: c.5371T>C on transcript NM_000384.3 (MANE Select); coding-DNA position 5371, T replaced by C.
Protein change: p.Tyr1791His; replaces tyrosine 1791 with histidine.
Molecular consequence: missense variant.
Genome position (GRCh38, 1-based): chr2:21,011,497, A>G on the plus strand (T>C on the coding strand, the complement: APOB is on the minus strand). VCF-style: chr2-21011497-A-G. GRCh37 (hg19) VCF-style: chr2-21234369-A-G.
Other names: short protein forms Y1791H.
Identifiers: ClinVar variation 3231426 (VCV003231426.2), dbSNP rs2465375202, ClinGen allele CA346004862.
Genomic context (GRCh38, chr2:21,011,497, plus strand): 5'-TGTTGGTGAGATCCAGAGCATTGTATTTCAGGTCACTGTTTAAAGTAGTTACCAGAGAAT[A>G]GGGCTGTAGCTGTAAATTAACAGTTTGCTTATAAAACTTGTCAGAGCTGTAAATGTTGTC-3'
Protein context (NP_000375.3, residues 1781-1801): KQTVNLQLQP[Tyr1791His]SLVTTLNSDL

ClinVar aggregate classification (germline): Uncertain significance. Review status: criteria provided, multiple submitters, no conflicts (2 of 4 stars). 2 submissions from 2 submitters: Uncertain significance (2). Last evaluated 2024-11-22.

Conditions:
Cardiovascular phenotype. Identifiers: MedGen CN230736.

Submissions (2):

GeneDx
Classification: Uncertain significance. Last evaluated: 2024-11-22. Review status: criteria provided, single submitter. Criteria: GeneDx Variant Classification Process June 2021. Collection method: clinical testing. Allele origin: germline. Affected: yes.
Comment: Not observed at significant frequency in large population cohorts (gnomAD); In silico analysis supports that this missense variant has a deleterious effect on protein structure/function; Has not been previously published as pathogenic or benign to our knowledge

Ambry Genetics
Classification: Uncertain significance for Cardiovascular phenotype. Last evaluated: 2024-03-07. Review status: criteria provided, single submitter. Criteria: Ambry Variant Classification Scheme 2023. Collection method: clinical testing. Allele origin: germline.
Comment: The p.Y1791H variant (also known as c.5371T>C), located in coding exon 26 of the APOB gene, results from a T to C substitution at nucleotide position 5371. The tyrosine at codon 1791 is replaced by histidine, an amino acid with similar properties. This amino acid position is conserved. In addition, this alteration is predicted to be tolerated by in silico analysis. Based on the available evidence, the clinical significance of this alteration remains unclear.